The following is an entry in ClinVar:

ClinVar aggregate classification (germline): Uncertain significance. Review status: criteria provided, multiple submitters, no conflicts (2 of 4 stars). 2 submissions from 2 submitters: Uncertain significance (2). Last evaluated 2025-07-15.

Conditions:
ZBTB11-related disorder. Also called: ZBTB11-related condition.

Allele frequency attached by ClinVar (database versions not stated): ExAC 0.00004; TOPMed 0.00010; gnomAD 0.00012.
gnomAD v4.1: 41 of 1,614,208 alleles (0.0025%); highest among the groups gnomAD compares: African/African-American, 0.044%; no homozygotes.

Submissions (2):

Ambry Genetics
Classification: Uncertain significance. Last evaluated: 2025-07-15. Review status: criteria provided, single submitter. Criteria: Ambry Variant Classification Scheme 2023. Collection method: clinical testing. Allele origin: germline.

PreventionGenetics, part of Exact Sciences
Classification: Uncertain significance for ZBTB11-related condition. Last evaluated: 2024-12-28. Review status: criteria provided, single submitter. Criteria: ACMG Guidelines, 2015. Collection method: clinical testing. Allele origin: germline.
Comment: The ZBTB11 c.2914A>G variant is predicted to result in the amino acid substitution p.Met972Val. To our knowledge, this variant has not been reported in the literature. This variant is reported in 0.052% of alleles in individuals of African descent in gnomAD. At this time, the clinical significance of this variant is uncertain due to the absence of conclusive functional and genetic evidence.

NM_014415.4(ZBTB11):c.2914A>G (p.Met972Val)

Gene: ZBTB11 (zinc finger and BTB domain containing 11; minus strand). Cytogenetic location: 3q12.3.
Variant type: single nucleotide variant.
Coding change: c.2914A>G on transcript NM_014415.4 (MANE Select); coding-DNA position 2914, A replaced by G.
Protein change: p.Met972Val; replaces methionine 972 with valine.
Molecular consequence: missense variant.
Genome position (GRCh38, 1-based): chr3:101,651,414, T>C on the plus strand (A>G on the coding strand, the complement: ZBTB11 is on the minus strand). VCF-style: chr3-101651414-T-C. GRCh37 (hg19) VCF-style: chr3-101370258-T-C.
Other names: short protein forms M972V.
Identifiers: ClinVar variation 2384734 (VCV002384734.4), dbSNP rs549056576, ClinGen allele CA2520838.